The following is an entry in ClinVar:

ClinVar aggregate classification (germline): Uncertain significance. Review status: criteria provided, multiple submitters, no conflicts (2 of 4 stars). 2 submissions from 2 submitters: Uncertain significance (2). Last evaluated 2025-12-21.

Conditions:
Hereditary cancer-predisposing syndrome. Also called: Tumor predisposition; Hereditary neoplastic syndrome; Hereditary Cancer Syndrome; Neoplastic Syndromes, Hereditary. Identifiers: Orphanet 140162, MedGen C0027672, MeSH D009386, MONDO:0015356.
Familial cancer of breast. Also called: BREAST CANCER, FAMILIAL; Hereditary breast cancer; hereditary breast carcinoma. Identifiers: Orphanet 227535, MedGen C0346153, MONDO:0016419, OMIM 114480. Disease mechanism: loss of function.

Submissions (2):

Ambry Genetics
Classification: Uncertain significance for Hereditary cancer-predisposing syndrome. Last evaluated: 2025-12-21. Review status: criteria provided, single submitter. Criteria: Ambry Variant Classification Scheme 2023. Collection method: clinical testing. Allele origin: germline.
Comment: The p.E740K variant (also known as c.2218G>A), located in coding exon 11 of the BARD1 gene, results from a G to A substitution at nucleotide position 2218. The glutamic acid at codon 740 is replaced by lysine, an amino acid with similar properties. This amino acid position is conserved. In addition, this alteration is predicted to be tolerated by in silico analysis. Based on the available evidence, the clinical significance of this variant remains unclear.

Labcorp Genetics (formerly Invitae), Labcorp
Classification: Uncertain significance for Familial cancer of breast. Last evaluated: 2024-06-10. Review status: criteria provided, single submitter. Criteria: Invitae Variant Classification Sherloc (09022015). Collection method: clinical testing. Allele origin: germline.
Comment: This sequence change replaces glutamic acid, which is acidic and polar, with lysine, which is basic and polar, at codon 740 of the BARD1 protein (p.Glu740Lys). This variant is not present in population databases (gnomAD no frequency). This variant has not been reported in the literature in individuals affected with BARD1-related conditions. ClinVar contains an entry for this variant (Variation ID: 939803). An algorithm developed to predict the effect of missense changes on protein structure and function (PolyPhen-2) suggests that this variant is likely to be tolerated. In summary, the available evidence is currently insufficient to determine the role of this variant in disease. Therefore, it has been classified as a Variant of Uncertain Significance.

NM_000465.4(BARD1):c.2218G>A (p.Glu740Lys)

Gene: BARD1 (BRCA1 associated RING domain 1; minus strand). Cytogenetic location: 2q35.
Variant type: single nucleotide variant.
Coding change: c.2218G>A on transcript NM_000465.4 (MANE Select); coding-DNA position 2218, G replaced by A.
Protein change: p.Glu740Lys; replaces glutamic acid 740 with lysine.
Molecular consequence: missense variant. On other transcripts: non-coding transcript variant (3).
Genome position (GRCh38, 1-based): chr2:214,728,792, C>T on the plus strand (G>A on the coding strand, the complement: BARD1 is on the minus strand). VCF-style: chr2-214728792-C-T. GRCh37 (hg19) VCF-style: chr2-215593516-C-T.
Other names: c.2161G>A, p.Glu721Lys (NM_001282543.2); c.865G>A, p.Glu289Lys (NM_001282545.2); c.808G>A, p.Glu270Lys (NM_001282548.2); c.679G>A, p.Glu227Lys (NM_001282549.2); c.2218G>A (NM_000465.2); short protein forms E227K, E740K, E721K, E270K, E289K.
Identifiers: ClinVar variation 939803 (VCV000939803.11), dbSNP rs1692204026, ClinGen allele CA350450155.